The following is an entry in ClinVar:

NM_016194.4(GNB5):c.375G>A (p.Gln125=)

Gene: GNB5 (G protein subunit beta 5; minus strand). Cytogenetic location: 15q21.2.
Variant type: single nucleotide variant.
Coding change: c.375G>A on transcript NM_016194.4 (MANE Select); coding-DNA position 375, G replaced by A.
Protein change: p.Gln125=; no amino-acid change (glutamine 125 retained).
Molecular consequence: synonymous variant.
Genome position (GRCh38, 1-based): chr15:52,153,940, C>T on the plus strand (G>A on the coding strand, the complement: GNB5 is on the minus strand). VCF-style: chr15-52153940-C-T. GRCh37 (hg19) VCF-style: chr15-52446137-C-T.
Other names: 249G-A; c.249G>A, p.Gln83= (NM_006578.4); c.375G>A (NM_016194.3).
Identifiers: ClinVar variation 268098 (VCV000268098.4), dbSNP rs886041054, ClinGen allele CA10602649.
Genomic context (GRCh38, chr15:52,153,940, plus strand): 5'-CTCCCCCTTAGCTATAAAATCCAAAACCCGCTCACCTGTTATGCAGCAGGTGTGACATAC[C>T]TGTGACGAGCTCACGATCCTCCTCTTATCTTTGCACCAGTCCATGCACAGGACTTTGTTC-3'
Protein context (NP_057278.2, residues 115-135): KDKRRIVSSS[Gln125=]DGKVIVWDSF

ClinVar aggregate classification (germline): Pathogenic. Review status: criteria provided, single submitter (1 of 4 stars). 2 submissions from 2 submitters: Pathogenic (1). 1 of the submissions does not count toward it. Last evaluated 2026-02-01.

Conditions:
Lodder-Merla syndrome, type 1, with impaired intellectual development and cardiac arrhythmia. Also called: Intellectual developmental disorder with cardiac arrhythmia; Gnb5-related intellectual disability-cardiac arrhythmia syndrome. Identifiers: Orphanet 542306, MedGen C5568877, MONDO:0014953, OMIM 617173.

Submissions (2):

GeneDx
Classification: Pathogenic. Last evaluated: 2026-02-01. Review status: criteria provided, single submitter. Criteria: GeneDx Variant Classification Process June 2021. Collection method: clinical testing. Allele origin: germline.
Comment: Published functional studies demonstrate a damaging effect on fibroblasts (PMID: 27523599); Alters the last nucleotide of the exon and is predicted to destroy the splice donor site and result in aberrant splicing, although in the absence of functional evidence the actual effect of this sequence change is unknown; Not observed at significant frequency in large population cohorts (gnomAD); This variant is associated with the following publications: (PMID: 31631344, 32477400, 30631341, 27523599)

OMIM
Classification: Pathogenic for LODDER-MERLA SYNDROME, TYPE 1, WITH IMPAIRED INTELLECTUAL DEVELOPMENT AND CARDIAC ARRHYTHMIA. Last evaluated: 2023-08-16. Review status: no assertion criteria provided. Collection method: literature only. Allele origin: germline. Not counted in ClinVar's aggregate classification.

Literature cited by the submitters: PubMed 27523599 (cited by OMIM).